The following is an entry in ClinVar:

NM_003047.5(SLC9A1):c.1585C>T (p.His529Tyr)

Gene: SLC9A1 (solute carrier family 9 member A1; minus strand). Cytogenetic location: 1p36.11.
Variant type: single nucleotide variant.
Coding change: c.1585C>T on transcript NM_003047.5 (MANE Select); coding-DNA position 1585, C replaced by T.
Protein change: p.His529Tyr; replaces histidine 529 with tyrosine.
Molecular consequence: missense variant. On other transcripts: non-coding transcript variant (1).
Genome position (GRCh38, 1-based): chr1:27,102,734, G>A on the plus strand (C>T on the coding strand, the complement: SLC9A1 is on the minus strand). VCF-style: chr1-27102734-G-A. GRCh37 (hg19) VCF-style: chr1-27429225-G-A.
Other names: short protein forms H529Y.
Identifiers: ClinVar variation 520779 (VCV000520779.7), dbSNP rs745927136, ClinGen allele CA711047.
Genomic context (GRCh38, chr1:27,102,734, plus strand): 5'-TGTCCTTCCAGTGGTGGTGACCGTAGTGGCCACAGATGTCTTCGATGCCTGTCAGAAGGT[G>A]GTCCAGGAACTGAAAGGGGCCCAGGGCCAAGTCAAGCCTCGCTGTGGGGCGCCTTCCCTA-3'
Protein context (NP_003038.2, residues 519-539): NEEIHTQFLD[His529Tyr]LLTGIEDICG

ClinVar aggregate classification (germline): Uncertain significance. Review status: criteria provided, multiple submitters, no conflicts (2 of 4 stars). 2 submissions from 2 submitters: Uncertain significance (2). Last evaluated 2025-07-14.

Conditions:
Inborn genetic diseases. Identifiers: MedGen C0950123, MeSH D030342.

Allele frequency attached by ClinVar (database versions not stated): TOPMed 0.00002; ExAC 0.00003; gnomAD exomes 0.00003 and 0.00004.
gnomAD v4.1: 16 of 1,613,658 alleles (0.00099%); highest among the groups gnomAD compares: Admixed American, 0.025%; no homozygotes.

Submissions (2):

Labcorp Genetics (formerly Invitae), Labcorp
Classification: Uncertain significance. Last evaluated: 2025-07-14. Review status: criteria provided, single submitter. Criteria: Invitae Variant Classification Sherloc (09022015). Collection method: clinical testing. Allele origin: germline.
Comment: This sequence change replaces histidine, which is basic and polar, with tyrosine, which is neutral and polar, at codon 529 of the SLC9A1 protein (p.His529Tyr). This variant is present in population databases (rs745927136, gnomAD 0.03%). This missense change has been observed in individual(s) with a neuromuscular disorder (PMID: 30018422). ClinVar contains an entry for this variant (Variation ID: 520779). An algorithm developed to predict the effect of missense changes on protein structure and function (PolyPhen-2) suggests that this variant is likely to be disruptive. In summary, the available evidence is currently insufficient to determine the role of this variant in disease. Therefore, it has been classified as a Variant of Uncertain Significance.

Ambry Genetics
Classification: Uncertain significance for Inborn genetic diseases. Last evaluated: 2015-10-02. Review status: criteria provided, single submitter. Criteria: Ambry exome assertion method (8-5-2015). Collection method: clinical testing. Allele origin: germline. Affected: yes. Observed: 1 variant allele.

Literature cited by the submitters: PubMed 30018422 (cited by Labcorp Genetics (formerly Invitae), Labcorp).